The following is an entry in ClinVar:

NM_012193.4(FZD4):c.473G>T (p.Cys158Phe)

Genes: FZD4 (frizzled class receptor 4; minus strand), PRSS23 (serine protease 23; plus strand). Cytogenetic location: 11q14.2.
Variant type: single nucleotide variant.
Coding change: c.473G>T on transcript NM_012193.4 (MANE Select); coding-DNA position 473, G replaced by T.
Protein change: p.Cys158Phe; replaces cysteine 158 with phenylalanine.
Molecular consequence: missense variant. On other transcripts: non-coding transcript variant (2).
Genome position (GRCh38, 1-based): chr11:86,952,283, C>A on the plus strand (G>T on the coding strand, the complement: FZD4 is on the minus strand). VCF-style: chr11-86952283-C-A. GRCh37 (hg19) VCF-style: chr11-86663325-C-A.
Other names: short protein forms C158F.
Identifiers: ClinVar variation 2846323 (VCV002846323.3), dbSNP rs1949300933, ClinGen allele CA382016149.

ClinVar aggregate classification (germline): Uncertain significance (1 of 4 stars; one submission).

Submission:

Labcorp Genetics (formerly Invitae), Labcorp
Classification: Uncertain significance. Last evaluated: 2023-03-16. Review status: criteria provided, single submitter. Criteria: Invitae Variant Classification Sherloc (09022015). Collection method: clinical testing. Allele origin: germline.
Comment: In summary, the available evidence is currently insufficient to determine the role of this variant in disease. Therefore, it has been classified as a Variant of Uncertain Significance. Advanced modeling of protein sequence and biophysical properties (such as structural, functional, and spatial information, amino acid conservation, physicochemical variation, residue mobility, and thermodynamic stability) has been performed at Invitae for this missense variant, however the output from this modeling did not meet the statistical confidence thresholds required to predict the impact of this variant on FZD4 protein function. This variant has not been reported in the literature in individuals affected with FZD4-related conditions. This variant is not present in population databases (gnomAD no frequency). This sequence change replaces cysteine, which is neutral and slightly polar, with phenylalanine, which is neutral and non-polar, at codon 158 of the FZD4 protein (p.Cys158Phe).